The following is an entry in ClinVar:

ClinVar aggregate classification (germline): Uncertain significance. Review status: criteria provided, multiple submitters, no conflicts (2 of 4 stars). 6 submissions from 6 submitters: Uncertain significance (5). 1 of the submissions does not count toward it. Last evaluated 2025-07-02.

Conditions:
Colorectal cancer, hereditary nonpolyposis, type 7. Identifiers: Orphanet 144, MedGen C1858380, MONDO:0013725, OMIM 614385.
Endometrial carcinoma. Also called: Endometrial carcinoma, somatic. Identifiers: MedGen C0476089, MONDO:0002447, OMIM 608089, HP:0012114.
Colorectal cancer. Also called: Colorectal cancer, somatic; Malignant Colorectal Neoplasm. Identifiers: MedGen C0346629, MONDO:0005575, OMIM 114500.
MLH3-related disorder. Also called: MLH3-related condition.

Allele frequency attached by ClinVar (database versions not stated): gnomAD exomes 0.00001; TOPMed 0.00003; gnomAD 0.00003.
gnomAD v4.1: 20 of 1,614,070 alleles (0.0012%); highest among the groups gnomAD compares: Non-Finnish European, 0.0017%; no homozygotes.

Submissions (6):

Mayo Clinic Laboratories, Mayo Clinic
Classification: Uncertain significance. Last evaluated: 2025-07-02. Review status: criteria provided, single submitter. Criteria: ACMG Guidelines, 2015. Collection method: clinical testing. Allele origin: germline. Observed: 1 variant allele.
Comment: PP3_moderate, PM2_supporting

Ambry Genetics
Classification: Uncertain significance. Last evaluated: 2025-04-18. Review status: criteria provided, single submitter. Criteria: Ambry Variant Classification Scheme 2023. Collection method: clinical testing. Allele origin: germline.
Comment: The p.C320G variant (also known as c.958T>G), located in coding exon 1 of the MLH3 gene, results from a T to G substitution at nucleotide position 958. The cysteine at codon 320 is replaced by glycine, an amino acid with highly dissimilar properties. This amino acid position is well conserved in available vertebrate species. In addition, this alteration is predicted to be deleterious by in silico analysis. The evidence for this gene-disease relationship is limited; therefore, the clinical significance of this alteration is unclear.

Center for Genomic Medicine, Rigshospitalet, Copenhagen University Hospital
Classification: Uncertain significance. Last evaluated: 2025-03-04. Review status: criteria provided, single submitter. Criteria: ACMG Guidelines, 2015. Collection method: clinical testing. Allele origin: germline.

Fulgent Genetics
Classification: Uncertain significance for Colorectal cancer; Endometrial carcinoma; Colorectal cancer, hereditary nonpolyposis, type 7. Last evaluated: 2024-06-05. Review status: criteria provided, single submitter. Criteria: ACMG Guidelines, 2015. Collection method: clinical testing. Allele origin: germline.

Labcorp Genetics (formerly Invitae), Labcorp
Classification: Uncertain significance for Colorectal cancer, hereditary nonpolyposis, type 7. Last evaluated: 2021-08-05. Review status: criteria provided, single submitter. Criteria: Invitae Variant Classification Sherloc (09022015). Collection method: clinical testing. Allele origin: germline.
Comment: Algorithms developed to predict the effect of missense changes on protein structure and function are either unavailable or do not agree on the potential impact of this missense change (SIFT: "Tolerated"; PolyPhen-2: "Possibly Damaging"; Align-GVGD: "Class C0"). This sequence change replaces cysteine with glycine at codon 320 of the MLH3 protein (p.Cys320Gly). The cysteine residue is moderately conserved and there is a large physicochemical difference between cysteine and glycine. This variant is not present in population databases (ExAC no frequency). This variant has not been reported in the literature in individuals with MLH3-related conditions. In summary, the available evidence is currently insufficient to determine the role of this variant in disease. Therefore, it has been classified as a Variant of Uncertain Significance.

PreventionGenetics, part of Exact Sciences
Classification: Uncertain significance for MLH3-related condition. Last evaluated: 2024-02-05. Review status: no assertion criteria provided. Collection method: clinical testing. Allele origin: germline. Not counted in ClinVar's aggregate classification.
Comment: The MLH3 c.958T>G variant is predicted to result in the amino acid substitution p.Cys320Gly. This variant was reported in an individual with melanoma (Ticha et al. 2019. PubMed ID: 31745173). This variant is reported in 0.0026% of alleles in individuals of European (Non-Finnish) descent in gnomAD and is interpreted as variant of uncertain significance in ClinVar. At this time, the clinical significance of this variant is uncertain due to the absence of conclusive functional and genetic evidence.

Literature cited by the submitters: PubMed 31745173 (cited by Mayo Clinic Laboratories, Mayo Clinic and Center for Genomic Medicine, Rigshospitalet, Copenhagen University Hospital).

NM_001040108.2(MLH3):c.958T>G (p.Cys320Gly)

Gene: MLH3 (mutL homolog 3; minus strand). Cytogenetic location: 14q24.3.
Variant type: single nucleotide variant.
Coding change: c.958T>G on transcript NM_001040108.2 (MANE Select); coding-DNA position 958, T replaced by G.
Protein change: p.Cys320Gly; replaces cysteine 320 with glycine.
Molecular consequence: missense variant.
Genome position (GRCh38, 1-based): chr14:75,048,698, A>C on the plus strand (T>G on the coding strand, the complement: MLH3 is on the minus strand). VCF-style: chr14-75048698-A-C. GRCh37 (hg19) VCF-style: chr14-75515401-A-C.
Other names: p.Cys320Gly; c.958T>G, p.Cys320Gly (NM_014381.3); short protein forms C320G.
Identifiers: ClinVar variation 971541 (VCV000971541.22), dbSNP rs1334932761, ClinGen allele CA390448549.